The following is an entry in ClinVar:

NM_002755.4(MAP2K1):c.586A>G (p.Ile196Val)

Gene: MAP2K1 (mitogen-activated protein kinase kinase 1; plus strand). Cytogenetic location: 15q22.31.
Variant type: single nucleotide variant.
Coding change: c.586A>G on transcript NM_002755.4 (MANE Select); coding-DNA position 586, A replaced by G.
Protein change: p.Ile196Val; replaces isoleucine 196 with valine.
Molecular consequence: missense variant.
Genome position (GRCh38, 1-based): chr15:66,481,772, A>G. VCF-style: chr15-66481772-A-G. GRCh37 (hg19) VCF-style: chr15-66774110-A-G.
Other names: short protein forms I196V.
Identifiers: ClinVar variation 1172873 (VCV001172873.2), dbSNP rs2140667372, ClinGen allele CA392936116.
Genomic context (GRCh38, chr15:66,481,772, plus strand): 5'-ACCTGTGTCAGTTCCCTCCTTTTCTATTTTCTCTTCCCTGCAGATGTCAAGCCCTCCAAC[A>G]TCCTAGTCAACTCCCGTGGGGAGATCAAGCTCTGTGACTTTGGGGTCAGCGGGCAGCTCA-3'
Protein context (NP_002746.1, residues 186-206): IMHRDVKPSN[Ile196Val]LVNSRGEIKL

ClinVar aggregate classification (germline): Uncertain significance. Review status: criteria provided, multiple submitters, no conflicts (2 of 4 stars). 2 submissions from 2 submitters: Uncertain significance (2). Last evaluated 2025-12-31.

Conditions:
RASopathy. Also called: rasopathies; Noonan spectrum disorder. Identifiers: Orphanet 536391, MedGen C5555857, MONDO:0021060.

Allele frequency attached by ClinVar (database versions not stated): gnomAD exomes below 0.00001.
gnomAD v4.1: 1 of 1,613,040 alleles (0.000062%); highest among the groups gnomAD compares: African/African-American, 0.0013%; no homozygotes.

Submissions (2):

Labcorp Genetics (formerly Invitae), Labcorp
Classification: Uncertain significance for RASopathy. Last evaluated: 2025-12-31. Review status: criteria provided, single submitter. Criteria: Invitae Variant Classification Sherloc (09022015). Collection method: clinical testing. Allele origin: germline.
Comment: This sequence change replaces isoleucine, which is neutral and non-polar, with valine, which is neutral and non-polar, at codon 196 of the MAP2K1 protein (p.Ile196Val). This variant is not present in population databases (gnomAD no frequency). This variant has not been reported in the literature in individuals affected with MAP2K1-related conditions. ClinVar contains an entry for this variant (Variation ID: 1172873). An algorithm developed to predict the effect of missense changes on protein structure and function outputs the following: PolyPhen-2: "Benign". The valine amino acid residue is found in multiple mammalian species, which suggests that this missense change does not adversely affect protein function. In summary, the available evidence is currently insufficient to determine the role of this variant in disease. Therefore, it has been classified as a Variant of Uncertain Significance.

Women's Health and Genetics/Laboratory Corporation of America, LabCorp
Classification: Uncertain significance. Last evaluated: 2021-06-14. Review status: criteria provided, single submitter. Criteria: LabCorp Variant Classification Summary - May 2015. Collection method: clinical testing. Allele origin: germline.
Comment: Variant summary: MAP2K1 c.586A>G (p.Ile196Val) results in a conservative amino acid change located in the Protein kinase domain (IPR000719) of the encoded protein sequence. Three of five in-silico tools predict a damaging effect of the variant on protein function. The variant was absent in 251436 control chromosomes. The available data on variant occurrences in the general population are insufficient to allow any conclusion about variant significance. To our knowledge, no occurrence of c.586A>G in individuals affected with Cardiofaciocutaneous Syndrome and no experimental evidence demonstrating its impact on protein function have been reported. No clinical diagnostic laboratories have submitted clinical-significance assessments for this variant to ClinVar after 2014. Based on the evidence outlined above, the variant was classified as uncertain significance.